The following is an entry in ClinVar:

NM_001283009.2(RTEL1):c.3299C>G (p.Ala1100Gly)

Genes: RTEL1 (regulator of telomere elongation helicase 1; plus strand), RTEL1-TNFRSF6B (RTEL1-TNFRSF6B readthrough (NMD candidate); plus strand). Cytogenetic location: 20q13.33.
Variant type: single nucleotide variant.
Coding change: c.3299C>G on transcript NM_001283009.2 (MANE Select); coding-DNA position 3299, C replaced by G.
Protein change: p.Ala1100Gly; replaces alanine 1100 with glycine.
Molecular consequence: missense variant. On other transcripts: non-coding transcript variant (1).
Genome position (GRCh38, 1-based): chr20:63,694,930, C>G. VCF-style: chr20-63694930-C-G. GRCh37 (hg19) VCF-style: chr20-62326283-C-G.
Other names: c.2630C>G, p.Ala877Gly (NM_001283010.1); c.3299C>G, p.Ala1100Gly (NM_016434.4); c.3371C>G, p.Ala1124Gly (NM_032957.5); short protein forms A1100G, A1124G, A877G.
Identifiers: ClinVar variation 4157649 (VCV004157649.1).

ClinVar aggregate classification (germline): Uncertain significance (1 of 4 stars; one submission).

Conditions:
Inborn genetic diseases. Identifiers: MedGen C0950123, MeSH D030342.

Submission:

Ambry Genetics
Classification: Uncertain significance for Inborn genetic diseases. Last evaluated: 2025-08-09. Review status: criteria provided, single submitter. Criteria: Ambry Variant Classification Scheme 2023. Collection method: clinical testing. Allele origin: germline.
Comment: The p.A1100G variant (also known as c.3299C>G), located in coding exon 31 of the RTEL1 gene, results from a C to G substitution at nucleotide position 3299. The alanine at codon 1100 is replaced by glycine, an amino acid with similar properties. This amino acid position is conserved. In addition, the in silico prediction for this alteration is inconclusive. Based on the available evidence, the clinical significance of this variant remains unclear.